The following is an entry in ClinVar:

ClinVar aggregate classification (germline): Likely benign (0 of 4 stars; one submission).

Conditions:
EARS2-related disorder. Also called: EARS2-related disorders; EARS2-related condition.

Allele frequency attached by ClinVar (database versions not stated): ExAC 0.00002.
gnomAD v4.1: 9 of 1,613,202 alleles (0.00056%); highest among the groups gnomAD compares: African/African-American, 0.011%; no homozygotes.

Submission:

PreventionGenetics, part of Exact Sciences
Classification: Likely benign for EARS2-related condition. Last evaluated: 2020-08-10. Review status: no assertion criteria provided. Collection method: clinical testing. Allele origin: germline.
Comment: This variant is classified as likely benign based on ACMG/AMP sequence variant interpretation guidelines (Richards et al. 2015 PMID: 25741868, with internal and published modifications).

NM_001083614.2(EARS2):c.699G>A (p.Val233=)

Gene: EARS2 (glutamyl-tRNA synthetase 2, mitochondrial; minus strand). Cytogenetic location: 16p12.2.
Variant type: single nucleotide variant.
Coding change: c.699G>A on transcript NM_001083614.2 (MANE Select); coding-DNA position 699, G replaced by A.
Protein change: p.Val233=; no amino-acid change (valine 233 retained).
Molecular consequence: synonymous variant. On other transcripts: non-coding transcript variant (1).
Genome position (GRCh38, 1-based): chr16:23,535,147, C>T on the plus strand (G>A on the coding strand, the complement: EARS2 is on the minus strand). VCF-style: chr16-23535147-C-T. GRCh37 (hg19) VCF-style: chr16-23546468-C-T.
Other names: c.699G>A, p.Val233= (NM_001308211.1, NM_133451.1).
Identifiers: ClinVar variation 3055056 (VCV003055056.2), dbSNP rs751170482, ClinGen allele CA7962523.